The following is an entry in ClinVar:

NM_017617.5(NOTCH1):c.272T>C (p.Leu91Pro)

Gene: NOTCH1 (notch receptor 1; minus strand). Cytogenetic location: 9q34.3.
Variant type: single nucleotide variant.
Coding change: c.272T>C on transcript NM_017617.5 (MANE Select); coding-DNA position 272, T replaced by C.
Protein change: p.Leu91Pro; replaces leucine 91 with proline.
Molecular consequence: missense variant.
Genome position (GRCh38, 1-based): chr9:136,523,848, A>G on the plus strand (T>C on the coding strand, the complement: NOTCH1 is on the minus strand). VCF-style: chr9-136523848-A-G. GRCh37 (hg19) VCF-style: chr9-139418300-A-G.
Other names: short protein forms L91P.
Identifiers: ClinVar variation 1720357 (VCV001720357.5), dbSNP rs2133379380, ClinGen allele CA375572848.

ClinVar aggregate classification (germline): Uncertain significance (1 of 4 stars; one submission).

Conditions:
Adams-Oliver syndrome 5 (AOS5). Identifiers: Orphanet 974, MedGen C4014970, MONDO:0014459, OMIM 616028.

Submission:

Labcorp Genetics (formerly Invitae), Labcorp
Classification: Uncertain significance for Adams-Oliver syndrome 5. Last evaluated: 2022-09-25. Review status: criteria provided, single submitter. Criteria: Invitae Variant Classification Sherloc (09022015). Collection method: clinical testing. Allele origin: germline.
Comment: This sequence change replaces leucine, which is neutral and non-polar, with proline, which is neutral and non-polar, at codon 91 of the NOTCH1 protein (p.Leu91Pro). This variant is not present in population databases (gnomAD no frequency). This variant has not been reported in the literature in individuals affected with NOTCH1-related conditions. Advanced modeling of protein sequence and biophysical properties (such as structural, functional, and spatial information, amino acid conservation, physicochemical variation, residue mobility, and thermodynamic stability) performed at Invitae indicates that this missense variant is not expected to disrupt NOTCH1 protein function. In summary, the available evidence is currently insufficient to determine the role of this variant in disease. Therefore, it has been classified as a Variant of Uncertain Significance.